The following is an entry in ClinVar:

NM_002473.6(MYH9):c.5851G>A (p.Ala1951Thr)

Gene: MYH9 (myosin heavy chain 9; minus strand). Cytogenetic location: 22q12.3.
Variant type: single nucleotide variant.
Coding change: c.5851G>A on transcript NM_002473.6 (MANE Select); coding-DNA position 5851, G replaced by A.
Protein change: p.Ala1951Thr; replaces alanine 1951 with threonine.
Molecular consequence: missense variant.
Genome position (GRCh38, 1-based): chr22:36,282,700, C>T on the plus strand (G>A on the coding strand, the complement: MYH9 is on the minus strand). VCF-style: chr22-36282700-C-T. GRCh37 (hg19) VCF-style: chr22-36678746-C-T.
Other names: c.5851G>A (NM_002473.5); short protein forms A1951T.
Identifiers: ClinVar variation 1304481 (VCV001304481.11), dbSNP rs775685559, ClinGen allele CA10208889.

ClinVar aggregate classification (germline): Conflicting classifications of pathogenicity. Review status: criteria provided, conflicting classifications (1 of 4 stars). 4 submissions from 4 submitters: Uncertain significance (2); Likely benign (1). 1 of the submissions does not count toward it. Last evaluated 2026-01-22.

Conditions:
MYH9-related disorder. Identifiers: MedGen C1854520.
Inborn genetic diseases. Identifiers: MedGen C0950123, MeSH D030342.

Allele frequency attached by ClinVar (database versions not stated): gnomAD 0.00003; ExAC 0.00003; TOPMed 0.00005; gnomAD exomes 0.00003 and 0.00002.
gnomAD v4.1: 55 of 1,613,938 alleles (0.0034%); highest among the groups gnomAD compares: Non-Finnish European, 0.0041%; no homozygotes.

Submissions (4):

Labcorp Genetics (formerly Invitae), Labcorp
Classification: Likely benign. Last evaluated: 2026-01-22. Review status: criteria provided, single submitter. Criteria: Invitae Variant Classification Sherloc (09022015). Collection method: clinical testing. Allele origin: germline.

GeneDx
Classification: Uncertain significance. Last evaluated: 2024-04-12. Review status: criteria provided, single submitter. Criteria: GeneDx Variant Classification Process June 2021. Collection method: clinical testing. Allele origin: germline. Affected: yes.
Comment: In silico analysis supports that this missense variant does not alter protein structure/function; Has not been previously published as pathogenic or benign to our knowledge

Ambry Genetics
Classification: Uncertain significance for Inborn genetic diseases. Last evaluated: 2023-07-05. Review status: criteria provided, single submitter. Criteria: Ambry Variant Classification Scheme 2023. Collection method: clinical testing. Allele origin: germline.

PreventionGenetics, part of Exact Sciences
Classification: Uncertain significance for MYH9-related condition. Last evaluated: 2024-01-11. Review status: no assertion criteria provided. Collection method: clinical testing. Allele origin: germline. Not counted in ClinVar's aggregate classification.
Comment: The MYH9 c.5851G>A variant is predicted to result in the amino acid substitution p.Ala1951Thr. To our knowledge, this variant has not been reported in the literature. This variant is reported in 0.0046% of alleles in individuals of European (Non-Finnish) descent in gnomAD. At this time, the clinical significance of this variant is uncertain due to the absence of conclusive functional and genetic evidence.